The following is an entry in ClinVar:

NM_000238.4(KCNH2):c.1442A>T (p.Glu481Val)

Gene: KCNH2 (potassium voltage-gated channel subfamily H member 2; minus strand). Cytogenetic location: 7q36.1.
Variant type: single nucleotide variant.
Coding change: c.1442A>T on transcript NM_000238.4 (MANE Select); coding-DNA position 1442, A replaced by T.
Protein change: p.Glu481Val; replaces glutamic acid 481 with valine.
Molecular consequence: missense variant. On other transcripts: non-coding transcript variant (2).
Genome position (GRCh38, 1-based): chr7:150,952,540, T>A on the plus strand (A>T on the coding strand, the complement: KCNH2 is on the minus strand). VCF-style: chr7-150952540-T-A. GRCh37 (hg19) VCF-style: chr7-150649628-T-A.
Other names: c.422A>T, p.Glu141Val (NM_001204798.2, NM_172057.3); c.1154A>T, p.Glu385Val (NM_001406753.1, NM_001406756.1); c.1265A>T, p.Glu422Val (NM_001406755.1); c.1142A>T, p.Glu381Val (NM_001406757.1); c.1442A>T, p.Glu481Val (NM_172056.3); short protein forms E141V, E422V, E385V, E481V, E381V.
Identifiers: ClinVar variation 2773449 (VCV002773449.2), dbSNP rs2486046892, ClinGen allele CA369859745.

ClinVar aggregate classification (germline): Uncertain significance (1 of 4 stars; one submission).

Conditions:
Cardiac arrhythmia. Also called: Arrhythmia; Cardiac rhythm disease. Identifiers: MedGen C0003811, MONDO:0007263, HP:0011675.

Allele frequency attached by ClinVar (database versions not stated): gnomAD exomes below 0.00001.
gnomAD v4.1: 2 of 1,614,168 alleles (0.00012%); highest among the groups gnomAD compares: Non-Finnish European, 0.00017%; no homozygotes.

Submission:

Color Diagnostics, LLC DBA Color Health
Classification: Uncertain significance for Cardiac arrhythmia. Last evaluated: 2023-04-23. Review status: criteria provided, single submitter. Criteria: ACMG Guidelines, 2015. Collection method: clinical testing. Allele origin: germline.
Comment: This missense variant replaces glutamic acid with valine at codon 481 of the KCNH2 protein. Computational prediction suggests that this variant may have deleterious impact on protein structure and function (internally defined REVEL score threshold >= 0.7, PMID: 27666373). To our knowledge, functional studies have not been reported for this variant. This variant has not been reported in individuals affected with KCNH2-related disorders in the literature. This variant has not been identified in the general population by the Genome Aggregation Database (gnomAD). The available evidence is insufficient to determine the role of this variant in disease conclusively. Therefore, this variant is classified as a Variant of Uncertain Significance.